The following is an entry in ClinVar:

ClinVar aggregate classification (germline): Benign. Review status: criteria provided, multiple submitters, no conflicts (2 of 4 stars). 2 submissions from 2 submitters: Benign (2). Last evaluated 2018-01-13.

Conditions:
Gamma-aminobutyric acid transaminase deficiency (GABATD). Also called: GABA aminotransaminase deficiency; GABA transaminase deficiency; Gamma aminobutyrate transaminase deficiency; 4 alpha aminobutyrate transaminase deficiency. Identifiers: Orphanet 2066, MedGen C0342708, MONDO:0013166, OMIM 613163.

Allele frequency attached by ClinVar (database versions not stated): gnomAD exomes 0.35401; gnomAD 0.37567 and 0.37583; TOPMed 0.38443; 1000 Genomes Project 0.39277; 1000 Genomes Project 30x 0.39631.

Submissions (2):

Illumina Laboratory Services, Illumina
Classification: Benign for Gamma-aminobutyric acid transaminase deficiency. Last evaluated: 2018-01-13. Review status: criteria provided, single submitter. Criteria: ICSL Variant Classification Criteria 13 December 2019. Collection method: clinical testing. Allele origin: germline.
Comment: This variant was observed in the ICSL laboratory as part of a predisposition screen in an ostensibly healthy population. It had not been previously curated by ICSL or reported in the Human Gene Mutation Database (HGMD: prior to June 1st, 2018), and was therefore a candidate for classification through an automated scoring system. Utilizing variant allele frequency, disease prevalence and penetrance estimates, and inheritance mode, an automated score was calculated to assess if this variant is too frequent to cause the disease. Based on the score and internal cut-off values, a variant classified as benign is not then subjected to further curation. The score for this variant resulted in a classification of benign for this disease.

Breakthrough Genomics
Classification: Benign. Review status: criteria provided, single submitter. Criteria: ACMG Guidelines, 2015. Collection method: not provided. Allele origin: germline. Inheritance: Autosomal recessive inheritance. Affected: yes.

NM_020686.6(ABAT):c.*571A>C

Gene: ABAT (4-aminobutyrate aminotransferase; plus strand). Cytogenetic location: 16p13.2.
Variant type: single nucleotide variant.
Coding change: c.*571A>C on transcript NM_020686.6 (MANE Select); 571 bases downstream of the stop codon, A replaced by C.
Molecular consequence: 3 prime UTR variant.
Genome position (GRCh38, 1-based): chr16:8,782,001, A>C. VCF-style: chr16-8782001-A-C. GRCh37 (hg19) VCF-style: chr16-8875858-A-C.
Other names: c.*571A>C (NM_000663.5, NM_001127448.2, NM_001386600.1 and 14 more transcripts); c.*585A>C (NM_001386609.1, NM_001386616.1).
Identifiers: ClinVar variation 321105 (VCV000321105.6), dbSNP rs1641031, ClinGen allele CA10649104.